The following is an entry in ClinVar:

ClinVar aggregate classification (germline): Conflicting classifications of pathogenicity. Review status: criteria provided, conflicting classifications (1 of 4 stars). 4 submissions from 4 submitters: Uncertain significance (2); Benign (2). Last evaluated 2026-04-10.

Conditions:
Hereditary cancer-predisposing syndrome. Also called: Tumor predisposition; Hereditary neoplastic syndrome; Neoplastic Syndromes, Hereditary; Hereditary Cancer Syndrome. Identifiers: Orphanet 140162, MedGen C0027672, MeSH D009386, MONDO:0015356.
Ovarian cancer. Also called: OVARIAN CANCER, SOMATIC. Identifiers: Orphanet 213500, MedGen C1140680, MONDO:0008170, OMIM 167000.
Tuberous sclerosis 2 (TSC2). Identifiers: Orphanet 805, MedGen C1860707, MONDO:0013199, OMIM 613254.

Allele frequency attached by ClinVar (database versions not stated): gnomAD exomes below 0.00001.
gnomAD v4.1: 5 of 1,606,286 alleles (0.00031%); highest among the groups gnomAD compares: East Asian, 0.0022%; no homozygotes.

Submissions (4):

Ambry Genetics
Classification: Uncertain significance for Hereditary cancer-predisposing syndrome. Last evaluated: 2026-04-10. Review status: criteria provided, single submitter. Criteria: Ambry Variant Classification Scheme 2023. Collection method: clinical testing. Allele origin: germline.
Comment: The p.S1454R variant (also known as c.4362T>G), located in coding exon 33 of the TSC2 gene, results from a T to G substitution at nucleotide position 4362. The serine at codon 1454 is replaced by arginine, an amino acid with dissimilar properties. This variant was detected as heterozygous in individual(s) with no reported features of tuberous sclerosis complex (Ambry internal data). This amino acid position is poorly conserved in available vertebrate species. In addition, the in silico prediction for this alteration is inconclusive. Based on the available evidence, the clinical significance of this variant remains unclear.

Labcorp Genetics (formerly Invitae), Labcorp
Classification: Benign for Tuberous sclerosis 2. Last evaluated: 2025-12-23. Review status: criteria provided, single submitter. Criteria: Invitae Variant Classification Sherloc (09022015). Collection method: clinical testing. Allele origin: germline.

Sema4
Classification: Uncertain significance for Hereditary cancer-predisposing syndrome. Last evaluated: 2022-02-04. Review status: criteria provided, single submitter. Criteria: Sema4 Curation Guidelines. Collection method: curation. Allele origin: germline.
Comment: The TSC2 c.4362T>G (p.S1454R) variant has not been reported in the literature to our knowledge. This variant was not observed in any subpopulation with a sufficient number of total alleles (>=2000), but was observed in 1/239738 among all subpopulations within the Genome Aggregation Database (PMID: 32461654). This variant has been reported in ClinVar (Variation ID: 535857). Functional studies have not been performed, and in silico predictions of the variant's effect on protein function are inconclusive. The evidence is insufficient to meet ACMG/AMP criteria for classifying the variant as benign or pathogenic. Thus, the clinical significance of this variant is currently uncertain.

Laboratory of Molecular Epidemiology of Birth Defects, West China Second University Hospital, Sichuan University
Classification: Benign for Ovarian cancer. Last evaluated: 2022-01-01. Review status: criteria provided, single submitter. Criteria: ACMG Guidelines, 2015. Collection method: clinical testing. Allele origin: germline. Affected: yes.

NM_000548.5(TSC2):c.4362T>G (p.Ser1454Arg)

Gene: TSC2 (TSC complex subunit 2; plus strand). Cytogenetic location: 16p13.3.
Variant type: single nucleotide variant.
Coding change: c.4362T>G on transcript NM_000548.5 (MANE Select); coding-DNA position 4362, T replaced by G.
Protein change: p.Ser1454Arg; replaces serine 1454 with arginine.
Molecular consequence: missense variant.
Genome position (GRCh38, 1-based): chr16:2,084,584, T>G. VCF-style: chr16-2084584-T-G. GRCh37 (hg19) VCF-style: chr16-2134585-T-G.
Other names: c.4161T>G, p.Ser1387Arg (NM_001077183.3); c.4293T>G, p.Ser1431Arg (NM_001114382.3); c.4053T>G, p.Ser1351Arg (NM_001318827.2); c.4017T>G, p.Ser1339Arg (NM_001318829.2); c.3630T>G, p.Ser1210Arg (NM_001318831.2); c.4194T>G, p.Ser1398Arg (NM_001318832.2); c.4164T>G, p.Ser1388Arg (NM_001363528.2); c.4230T>G, p.Ser1410Arg (NM_001370404.1); and 2 more; short protein forms S1454R, S1351R, S1339R, S1398R, S1410R, S1411R, S1210R, S1387R.
Identifiers: ClinVar variation 535857 (VCV000535857.12), dbSNP rs1320400029, ClinGen allele CA394301688.